The following is an entry in ClinVar:

NM_004655.4(AXIN2):c.2327del (p.Pro776fs)

Gene: AXIN2 (axin 2; minus strand). Cytogenetic location: 17q24.1.
Variant type: Deletion.
Coding change: c.2327del on transcript NM_004655.4 (MANE Select); coding-DNA position 2327, one base deleted (C; older notation c.2327delC).
Protein change: p.Pro776fs; shifts the reading frame from proline 776.
Molecular consequence: frameshift variant.
Genome position (GRCh38, 1-based): chr17:65,533,990, G deleted on the plus strand (C on the coding strand, the reverse complement: AXIN2 is on the minus strand); the first of 2 consecutive G bases (chr17:65,533,990-65,533,991); deleting either gives the same sequence. VCF-style (leftmost placement, unchanged base first): chr17-65533989-TG-T. GRCh37 (hg19) VCF-style: chr17-63530107-TG-T.
Other names: c.2132del, p.Pro711fs (NM_001363813.1); c.2327delC (NM_004655.3); short protein forms P711fs, P776fs.
Identifiers: ClinVar variation 3470478 (VCV003470478.1).

ClinVar aggregate classification (germline): Pathogenic (1 of 4 stars; one submission).

Conditions:
Hereditary cancer-predisposing syndrome. Also called: Tumor predisposition; Neoplastic Syndromes, Hereditary; Hereditary neoplastic syndrome; Hereditary Cancer Syndrome. Identifiers: Orphanet 140162, MedGen C0027672, MeSH D009386, MONDO:0015356.

Submission:

Ambry Genetics
Classification: Pathogenic for Hereditary cancer-predisposing syndrome. Last evaluated: 2024-10-08. Review status: criteria provided, single submitter. Criteria: Ambry Variant Classification Scheme 2023. Collection method: clinical testing. Allele origin: germline.
Comment: The c.2327delC pathogenic mutation, located in coding exon 9 of the AXIN2 gene, results from a deletion of one nucleotide at nucleotide position 2327, causing a translational frameshift with a predicted alternate stop codon (p.P776Hfs*6). This variant has been observed in at least one individual with a personal history that is consistent with oligodontia-cancer predisposition syndrome (Ambry internal data). This variant is considered to be rare based on population cohorts in the Genome Aggregation Database (gnomAD). In addition, this alteration is expected to result in loss of function by premature protein truncation or nonsense-mediated mRNA decay. As such, this alteration is interpreted as a disease-causing mutation.